The following is an entry in ClinVar:

NM_015355.4(SUZ12):c.1891C>T (p.Gln631Ter)

Gene: SUZ12 (SUZ12 polycomb repressive complex 2 subunit; plus strand). Cytogenetic location: 17q11.2.
Variant type: single nucleotide variant.
Coding change: c.1891C>T on transcript NM_015355.4 (MANE Select); coding-DNA position 1891, C replaced by T.
Protein change: p.Gln631Ter; replaces glutamine 631 with a stop codon.
Molecular consequence: nonsense.
Genome position (GRCh38, 1-based): chr17:31,998,674, C>T. VCF-style: chr17-31998674-C-T. GRCh37 (hg19) VCF-style: chr17-30325693-C-T.
Other names: c.1822C>T, p.Gln608Ter (NM_001321207.2); short protein forms Q608*, Q631*.
Identifiers: ClinVar variation 1072714 (VCV001072714.6), dbSNP rs2142222219, ClinGen allele CA399036195.

ClinVar aggregate classification (germline): Pathogenic. Review status: criteria provided, single submitter (1 of 4 stars). 2 submissions from 2 submitters: Pathogenic (1). 1 of the submissions does not count toward it. Last evaluated 2023-07-03.

Conditions:
Imagawa-Matsumoto syndrome. Identifiers: Orphanet 659463, MedGen C5394073, MONDO:0032916, OMIM 618786.

Submissions (2):

Labcorp Genetics (formerly Invitae), Labcorp
Classification: Pathogenic. Last evaluated: 2023-07-03. Review status: criteria provided, single submitter. Criteria: Invitae Variant Classification Sherloc (09022015). Collection method: clinical testing. Allele origin: germline.
Comment: For these reasons, this variant has been classified as Pathogenic. This variant disrupts a region of the SUZ12 protein in which other variant(s) (p.Arg654*) have been determined to be pathogenic (PMID: 31736240). This suggests that this is a clinically significant region of the protein, and that variants that disrupt it are likely to be disease-causing. ClinVar contains an entry for this variant (Variation ID: 1072714). This variant has not been reported in the literature in individuals affected with SUZ12-related conditions. This variant is not present in population databases (gnomAD no frequency). This sequence change creates a premature translational stop signal (p.Gln631*) in the SUZ12 gene. While this is not anticipated to result in nonsense mediated decay, it is expected to disrupt the last 109 amino acid(s) of the SUZ12 protein.

Clinical Genetics Laboratory, University Hospital Schleswig-Holstein
Classification: Likely pathogenic for Imagawa-Matsumoto syndrome. Last evaluated: 2024-08-15. Review status: no assertion criteria provided. Collection method: clinical testing. Allele origin: germline. Affected: yes. Not counted in ClinVar's aggregate classification.

Literature cited by the submitters: PubMed 31736240 (cited by Labcorp Genetics (formerly Invitae), Labcorp).